The following is an entry in ClinVar:

ClinVar aggregate classification (germline): Uncertain significance (1 of 4 stars; one submission).

Conditions:
Intellectual developmental disorder, autosomal recessive 78 (MRT78). Identifiers: MedGen C5830269, MONDO:0859373, OMIM 620237.
Hypogonadotropic hypogonadism 14 with or without anosmia (HH14). Also called: HYPOGONADOTROPIC HYPOGONADISM 14 WITHOUT ANOSMIA. Identifiers: Orphanet 478, MedGen C3540450, MONDO:0013926, OMIM 614858.

Submission:

Juno Genomics, Hangzhou Juno Genomics, Inc
Classification: Uncertain significance for Intellectual developmental disorder, autosomal recessive 78; Hypogonadotropic hypogonadism 14 with or without anosmia. Review status: criteria provided, single submitter. Criteria: ACMG Guidelines, 2015. Collection method: clinical testing. Allele origin: germline.
Comment: Absent from controls (or at extremely low frequency if recessive) in Genome Aggregation Database.;Multiple lines of computational evidence support a deleterious effect on the gene or gene product.

NM_018117.12(WDR11):c.2585A>G (p.Gln862Arg)

Gene: WDR11 (WD repeat domain 11; plus strand). Cytogenetic location: 10q26.12.
Variant type: single nucleotide variant.
Coding change: c.2585A>G on transcript NM_018117.12 (MANE Select); coding-DNA position 2585, A replaced by G.
Protein change: p.Gln862Arg; replaces glutamine 862 with arginine.
Molecular consequence: missense variant.
Genome position (GRCh38, 1-based): chr10:120,900,098, A>G. VCF-style: chr10-120900098-A-G. GRCh37 (hg19) VCF-style: chr10-122659610-A-G.
Other names: short protein forms Q862R.
Identifiers: ClinVar variation 5007573 (VCV005007573.2).